The following is an entry in ClinVar:

NC_000020.10:g.(?_3211983)_(3212843_?)del

Gene: SLC4A11 (solute carrier family 4 member 11; minus strand). Cytogenetic location: 20p13.
Variant type: Deletion.
Identifiers: ClinVar variation 2426994 (VCV002426994.3).

ClinVar aggregate classification (germline): Pathogenic (1 of 4 stars; one submission).

Submission:

Labcorp Genetics (formerly Invitae), Labcorp
Classification: Pathogenic. Last evaluated: 2023-11-22. Review status: criteria provided, single submitter. Criteria: Invitae Variant Classification Sherloc (09022015). Collection method: clinical testing. Allele origin: germline.
Comment: This variant results in the deletion of part of exon 7 (c.778-649_989del) of the SLC4A11 gene. It is expected to disrupt RNA splicing. Variants that disrupt the donor or acceptor splice site typically lead to a loss of protein function (PMID: 16199547), and loss-of-function variants in SLC4A11 are known to be pathogenic (PMID: 17220209, 17679935). This variant has not been reported in the literature in individuals affected with SLC4A11-related conditions. ClinVar contains an entry for this variant (Variation ID: 944368). This variant disrupts a region of the SLC4A11 protein in which other variant(s) (p.Thr271Met) have been determined to be pathogenic (PMID: 18363173, 29327391). This suggests that this is a clinically significant region of the protein, and that variants that disrupt it are likely to be disease-causing. For these reasons, this variant has been classified as Pathogenic.

Literature cited by the submitters: PubMed 16199547; PubMed 17220209; PubMed 17679935; PubMed 18363173; PubMed 29327391.